The following is an entry in ClinVar:

ClinVar aggregate classification (germline): Conflicting classifications of pathogenicity. Review status: criteria provided, conflicting classifications (1 of 4 stars). 7 submissions from 7 submitters: Uncertain significance (6); Likely benign (1). Last evaluated 2025-12-15.

Conditions:
TTN-related disorder. Also called: TTN-related condition; TTN-related disease; TTN-related disorders.
Cardiovascular phenotype. Identifiers: MedGen CN230736.
Dilated cardiomyopathy 1G (CMD1G). Identifiers: Orphanet 154, MedGen C1858763, MONDO:0011400, OMIM 604145.
Autosomal recessive limb-girdle muscular dystrophy type 2J (LGMDR10). Also called: Limb-girdle muscular dystrophy, type 2J; MUSCULAR DYSTROPHY, LIMB-GIRDLE, AUTOSOMAL RECESSIVE 10. Identifiers: Orphanet 140922, MedGen C1837342, MONDO:0012127, OMIM 608807.
Early-onset myopathy with fatal cardiomyopathy (CMYO5). Also called: Salih Myopathy; CONGENITAL MYOPATHY 5 WITH CARDIOMYOPATHY. Identifiers: Orphanet 289377, MedGen C2673677, MONDO:0012714, OMIM 611705. Disease mechanism: loss of function.
Tibial muscular dystrophy (TMD). Also called: Tibial muscular dystrophy, tardive; Udd Distal Myopathy – Tibial Muscular Dystrophy; UDD MYOPATHY. Identifiers: Orphanet 609, MedGen C1838244, MONDO:0010870, OMIM 600334.
Myopathy, myofibrillar, 9, with early respiratory failure (MFM9). Also called: Myopathy, distal, with early respiratory failure, autosomal dominant; MYOPATHY, PROXIMAL, WITH EARLY RESPIRATORY MUSCLE INVOLVEMENT; Hereditary myopathy with early respiratory failure; EDSTROM MYOPATHY. Identifiers: Orphanet 178464, Orphanet 34521, MedGen C1863599, MONDO:0011362, OMIM 603689.
Hypertrophic cardiomyopathy 9. Also called: Familial hypertrophic cardiomyopathy 9. Identifiers: MedGen C1861065, MONDO:0013412, OMIM 613765.

Allele frequency attached by ClinVar (database versions not stated): gnomAD exomes 0.00003 and 0.00007; gnomAD 0.00004 and 0.00005; TOPMed 0.00006; ESP Exome Variant Server 0.00008; ExAC 0.00010.
gnomAD v4.1: 44 of 1,613,822 alleles (0.0027%); highest among the groups gnomAD compares: South Asian, 0.014%; no homozygotes.

Submissions (7):

PreventionGenetics, part of Exact Sciences
Classification: Uncertain significance for TTN-related condition. Last evaluated: 2025-12-15. Review status: criteria provided, single submitter. Criteria: ACMG Guidelines, 2015. Collection method: clinical testing. Allele origin: germline.
Comment: The TTN c.2734C>T variant is predicted to result in the amino acid substitution p.Arg912Cys. To our knowledge, this variant has not been reported in the literature. This variant is reported in 0.036% of alleles in individuals of South Asian descent in gnomAD. At this time, the clinical significance of this variant is uncertain due to the absence of conclusive functional and genetic evidence.

GeneDx
Classification: Likely benign. Last evaluated: 2021-06-21. Review status: criteria provided, single submitter. Criteria: GeneDx Variant Classification Process June 2021. Collection method: clinical testing. Allele origin: germline. Affected: yes.

Revvity Omics, Revvity
Classification: Uncertain significance. Last evaluated: 2019-06-24. Review status: criteria provided, single submitter. Criteria: ACMG Guidelines, 2015. Collection method: clinical testing. Allele origin: germline.

Ambry Genetics
Classification: Uncertain significance for Cardiovascular phenotype. Last evaluated: 2019-04-18. Review status: criteria provided, single submitter. Criteria: Ambry Variant Classification Scheme 2023. Collection method: clinical testing. Allele origin: germline.
Comment: The p.R866C variant (also known as c.2596C>T), located in coding exon 14 of the TTN gene, results from a C to T substitution at nucleotide position 2596. The arginine at codon 866 is replaced by cysteine, an amino acid with highly dissimilar properties. This amino acid position is well conserved in available vertebrate species. In addition, the in silico prediction for this alteration is inconclusive. Since supporting evidence is limited at this time, the clinical significance of this alteration remains unclear.

Fulgent Genetics
Classification: Uncertain significance for Tibial muscular dystrophy; Myopathy, myofibrillar, 9, with early respiratory failure; Dilated cardiomyopathy 1G; Autosomal recessive limb-girdle muscular dystrophy type 2J; Early-onset myopathy with fatal cardiomyopathy; Hypertrophic cardiomyopathy 9. Last evaluated: 2018-10-31. Review status: criteria provided, single submitter. Criteria: ACMG Guidelines, 2015. Collection method: clinical testing. Allele origin: unknown.

Eurofins Ntd Llc (ga)
Classification: Uncertain significance. Last evaluated: 2017-02-17. Review status: criteria provided, single submitter. Criteria: EGL Classification Definitions 2015. Collection method: clinical testing. Allele origin: germline. Observed: 1 variant allele, 1 heterozygote.

Labcorp Genetics (formerly Invitae), Labcorp
Classification: Uncertain significance for Dilated cardiomyopathy 1G; Autosomal recessive limb-girdle muscular dystrophy type 2J. Last evaluated: 2016-09-23. Review status: criteria provided, single submitter. Criteria: Invitae Variant Classification Sherloc (09022015). Collection method: clinical testing. Allele origin: germline.

NM_001267550.2(TTN):c.2734C>T (p.Arg912Cys)

Gene: TTN (titin; minus strand). Cytogenetic location: 2q31.2.
Variant type: single nucleotide variant.
Coding change: c.2734C>T on transcript NM_001267550.2 (MANE Select); coding-DNA position 2734, C replaced by T.
Protein change: p.Arg912Cys; replaces arginine 912 with cysteine.
Molecular consequence: missense variant.
Genome position (GRCh38, 1-based): chr2:178,784,111, G>A on the plus strand (C>T on the coding strand, the complement: TTN is on the minus strand). VCF-style: chr2-178784111-G-A. GRCh37 (hg19) VCF-style: chr2-179648838-G-A.
Other names: p.R912C:CGT>TGT; c.2734C>T, p.Arg912Cys (NM_001256850.1, NM_133378.4, NM_133379.5); c.2596C>T, p.Arg866Cys (NM_003319.4, NM_133432.3, NM_133437.4); short protein forms R912C, R866C.
Identifiers: ClinVar variation 202866 (VCV000202866.17), dbSNP rs371156190, ClinGen allele CA310526.
Genomic context (GRCh38, chr2:178,784,111, plus strand): 5'-CGGGTAACCAGTGACCAACCTTGGCTTCGCGTCCGTGCAGTACTTCAAAGCGCTCTTCAC[G>A]GACGGTGGTGCCAGTGATGCTCACCCCTACTTCCTTTTTCACCTCAACGCCAGCTTCACT-3'
Protein context (NP_001254479.2, residues 902-922): VGVSITGTTV[Arg912Cys]EERFEVLHGR